The following is an entry in ClinVar:

NM_000256.3(MYBPC3):c.2761C>G (p.Gln921Glu)

Gene: MYBPC3 (myosin binding protein C3; minus strand). Cytogenetic location: 11p11.2.
Variant type: single nucleotide variant.
Coding change: c.2761C>G on transcript NM_000256.3 (MANE Select); coding-DNA position 2761, C replaced by G.
Protein change: p.Gln921Glu; replaces glutamine 921 with glutamic acid.
Molecular consequence: missense variant.
Genome position (GRCh38, 1-based): chr11:47,335,186, G>C on the plus strand (C>G on the coding strand, the complement: MYBPC3 is on the minus strand). VCF-style: chr11-47335186-G-C. GRCh37 (hg19) VCF-style: chr11-47356737-G-C.
Other names: p.Q921E:CAG>GAG; c.2761C>G, p.Gln921Glu (LRG_386t1); short protein forms Q921E.
Identifiers: ClinVar variation 180983 (VCV000180983.24), dbSNP rs367729718, ClinGen allele CA012952.
Genomic context (GRCh38, chr11:47,335,186, plus strand): 5'-GCAGCCGGGCCCCCGTGGGCAGGTCCTTCACCAGTATCGATGTGTGCTCTGTCAGCCCCT[G>C]CAGGGCAGCCACCCACTCTGAGCCTGGGGGTGGGGAGGGGGAGGCAAGGCCACAGGCTGT-3'
Protein context (NP_000247.2, residues 911-931): EGCSEWVAAL[Gln921Glu]GLTEHTSILV

ClinVar aggregate classification (germline): Benign/Likely benign. Review status: criteria provided, multiple submitters, no conflicts (2 of 4 stars). 11 submissions from 11 submitters: Benign (1); Likely benign (7). 3 of the submissions do not count toward it. Last evaluated 2026-02-01.

Conditions:
Cardiovascular phenotype. Identifiers: MedGen CN230736.
Cardiomyopathy (CMYO). Also called: Cardiomyopathies. Identifiers: Orphanet 167848, MedGen C0878544, MONDO:0004994, HP:0001638. Inheritance: Various modes of inheritance.
Hypertrophic cardiomyopathy 4. Also called: Familial hypertrophic cardiomyopathy 4. Identifiers: MedGen C1861862, MONDO:0007268, OMIM 115197.
Hypertrophic cardiomyopathy. Also called: HYPERTROPHIC MYOCARDIOPATHY. Identifiers: Orphanet 217569, MedGen C0007194, MeSH D002312, MONDO:0005045, HP:0001639.

Allele frequency attached by ClinVar (database versions not stated): gnomAD exomes 0.00002 and 0.00016; TOPMed 0.00005; gnomAD 0.00006 and 0.00011; ExAC 0.00018; 1000 Genomes Project 30x 0.00109; 1000 Genomes Project 0.00120.
gnomAD v4.1: 64 of 1,606,406 alleles (0.004%); highest among the groups gnomAD compares: East Asian, 0.088%; 1 homozygote.

Submissions (11):

Labcorp Genetics (formerly Invitae), Labcorp
Classification: Likely benign for Hypertrophic cardiomyopathy. Last evaluated: 2026-02-01. Review status: criteria provided, single submitter. Criteria: Invitae Variant Classification Sherloc (09022015). Collection method: clinical testing. Allele origin: germline.

Blueprint Genetics
Classification: Likely benign. Last evaluated: 2024-11-22. Review status: criteria provided, single submitter. Criteria: ACMG Guidelines, 2015. Collection method: clinical testing. Allele origin: germline.

Women's Health and Genetics/Laboratory Corporation of America, LabCorp
Classification: Likely benign. Last evaluated: 2023-12-04. Review status: criteria provided, single submitter. Criteria: LabCorp Variant Classification Summary - May 2015. Collection method: clinical testing. Allele origin: germline.
Comment: Variant summary: MYBPC3 c.2761C>G (p.Gln921Glu) results in a conservative amino acid change located in a Fibronectin type III domain (IPR003961) of the encoded protein sequence. Five of five in-silico tools predict a benign effect of the variant on protein function. The variant allele was found at a frequency of 0.00016 in 242486 control chromosomes, predominantly at a frequency of 0.002 within the East Asian subpopulation in the gnomAD database. The observed variant frequency within East Asian control individuals in the gnomAD database is approximately 2 fold of the estimated maximal expected allele frequency for a pathogenic variant in MYBPC3 causing Cardiomyopathy phenotype (0.001), strongly suggesting that the variant is a benign polymorphism found primarily in populations of East Asian origin. c.2761C>G has been reported in the literature in individuals affected with Cardiomyopathy (e.g., Maron_2008, Fokstuen_2014, Thompson_2021, Stava_2022), but also in the literature in several ostensibly healthy controls (e.g., Kapplinger_2014, Juang_2021). These reports therefore do not provide unequivocal conclusions about association of the variant with Cardiomyopathy. A co-occurrence with another pathogenic variant has been reported (MYBPC3 c.1504C>T, p.R502W; Maron_2008), providing supporting evidence for a benign role. To our knowledge, no experimental evidence demonstrating an impact on protein function has been reported. The following publications have been ascertained in the context of this evaluation (PMID: 34026292, 18809796, 35653365, 23590259, 24510615, 33782553). Six submitters have reported clinical-significance assessments for this variant to ClinVar after 2014. All submitters classified the variant as benign/likely benign. Based on the evidence outlined above, the variant was classified as likely benign.

Ambry Genetics
Classification: Benign for Cardiovascular phenotype. Last evaluated: 2023-08-01. Review status: criteria provided, single submitter. Criteria: Ambry Variant Classification Scheme 2023. Collection method: clinical testing. Allele origin: germline.

GeneDx
Classification: Likely benign. Last evaluated: 2020-07-08. Review status: criteria provided, single submitter. Criteria: GeneDx Variant Classification Process June 2021. Collection method: clinical testing. Allele origin: germline. Affected: yes.
Comment: This variant is associated with the following publications: (PMID: 18809796, 24510615, 28679633, 28706299)

Mendelics
Classification: Likely benign for Hypertrophic cardiomyopathy 4. Last evaluated: 2019-05-28. Review status: criteria provided, single submitter. Criteria: Mendelics Assertion Criteria 2017. Collection method: clinical testing. Allele origin: unknown.

Color Diagnostics, LLC DBA Color Health
Classification: Likely benign for Cardiomyopathy. Last evaluated: 2018-11-11. Review status: criteria provided, single submitter. Criteria: ACMG Guidelines, 2015. Collection method: clinical testing. Allele origin: germline.

Stanford Center for Inherited Cardiovascular Disease, Stanford University
Classification: Likely benign. Last evaluated: 2016-08-22. Review status: criteria provided, single submitter. Criteria: ACMG Guidelines, 2015. Collection method: provider interpretation. Allele origin: germline.

Clinical Genetics DNA and cytogenetics Diagnostics Lab, Erasmus MC, Erasmus Medical Center
Classification: Uncertain significance. Review status: no assertion criteria provided. Collection method: clinical testing. Allele origin: germline. Affected: yes. Study: VKGL Data-share Consensus. Not counted in ClinVar's aggregate classification.

Diagnostic Laboratory, Department of Genetics, University Medical Center Groningen
Classification: Uncertain significance. Review status: no assertion criteria provided. Collection method: clinical testing. Allele origin: germline. Affected: yes. Study: VKGL Data-share Consensus. Not counted in ClinVar's aggregate classification.

Joint Genome Diagnostic Labs from Nijmegen and Maastricht, Radboudumc and MUMC+
Classification: Uncertain significance. Review status: no assertion criteria provided. Collection method: clinical testing. Allele origin: germline. Affected: yes. Study: VKGL Data-share Consensus. Not counted in ClinVar's aggregate classification.

Literature cited by the submitters: PubMed 18809796 (cited by Women's Health and Genetics/Laboratory Corporation of America, LabCorp); PubMed 24510615 (cited by Women's Health and Genetics/Laboratory Corporation of America, LabCorp); PubMed 23590259 (cited by Women's Health and Genetics/Laboratory Corporation of America, LabCorp); PubMed 33782553 (cited by Women's Health and Genetics/Laboratory Corporation of America, LabCorp); PubMed 35653365 (cited by Women's Health and Genetics/Laboratory Corporation of America, LabCorp); PubMed 34026292 (cited by Women's Health and Genetics/Laboratory Corporation of America, LabCorp).